The following is an entry in ClinVar:

ClinVar aggregate classification (germline): Uncertain significance (1 of 4 stars; one submission).

Conditions:
Migraine, familial hemiplegic, 3. Identifiers: Orphanet 569, MedGen C1864987, MONDO:0012320, OMIM 609634.
Severe myoclonic epilepsy in infancy (DRVT). Also called: SEVERE MYOCLONIC EPILEPSY OF INFANCY; DEVELOPMENTAL AND EPILEPTIC ENCEPHALOPATHY 6A; Severe Myoclonic Epilepsy in Infancy (SMEI); Dravet syndrome; Epileptic encephalopathy, early infantile, 6 (Dravet syndrome). Identifiers: Orphanet 33069, MedGen C0751122, MONDO:0100135, OMIM 607208.
Developmental and epileptic encephalopathy 6B. Also called: Developmental and epileptic encephalopathy 6B, non-Dravet. Identifiers: MedGen C5543353, MONDO:0030268, OMIM 619317.
Generalized epilepsy with febrile seizures plus, type 2 (GEFSP2). Also called: GEFS+, TYPE 2. Identifiers: Orphanet 36387, MedGen C1858673, MONDO:0011461, OMIM 604403.

Submission:

Juno Genomics, Hangzhou Juno Genomics, Inc
Classification: Uncertain significance for Developmental and epileptic encephalopathy 6B; Severe myoclonic epilepsy in infancy; Generalized epilepsy with febrile seizures plus, type 2; Migraine, familial hemiplegic, 3. Review status: criteria provided, single submitter. Criteria: ACMG Guidelines, 2015. Collection method: clinical testing. Allele origin: germline.
Comment: Absent from controls (or at extremely low frequency if recessive) in Genome Aggregation Database.

NM_001165963.4(SCN1A):c.5879T>C (p.Ile1960Thr)

Genes: SCN1A (sodium voltage-gated channel alpha subunit 1; minus strand), LOC102724058 (uncharacterized LOC102724058; plus strand). Cytogenetic location: 2q24.3.
Variant type: single nucleotide variant.
Coding change: c.5879T>C on transcript NM_001165963.4 (MANE Select); coding-DNA position 5879, T replaced by C.
Protein change: p.Ile1960Thr; replaces isoleucine 1960 with threonine.
Molecular consequence: missense variant. On other transcripts: non-coding transcript variant (1).
Genome position (GRCh38, 1-based): chr2:165,991,396, A>G on the plus strand (T>C on the coding strand, the complement: SCN1A is on the minus strand). VCF-style: chr2-165991396-A-G. GRCh37 (hg19) VCF-style: chr2-166847906-A-G.
Other names: c.5795T>C, p.Ile1932Thr (NM_001165964.3, NM_001353957.2, NM_001353958.2); c.5879T>C, p.Ile1960Thr (NM_001202435.3, NM_001353948.2); c.3437T>C, p.Ile1146Thr (NM_001353961.2); c.5846T>C, p.Ile1949Thr (NM_006920.6, NM_001353949.2, NM_001353950.2 and 2 more transcripts); c.5843T>C, p.Ile1948Thr (NM_001353954.2, NM_001353955.2); c.5792T>C, p.Ile1931Thr (NM_001353960.2); short protein forms I1932T, I1948T, I1146T, I1931T, I1960T, I1949T.
Identifiers: ClinVar variation 5006116 (VCV005006116.2).